The following is an entry in ClinVar:

ClinVar aggregate classification (germline): Likely pathogenic (1 of 4 stars; one submission).

Submission:

GeneDx
Classification: Likely pathogenic. Last evaluated: 2025-10-22. Review status: criteria provided, single submitter. Criteria: GeneDx Variant Classification Process June 2021. Collection method: clinical testing. Allele origin: germline. Affected: yes.
Comment: Previously reported as a de novo variant in an individual from a large cohort of probands with developmental disorders; however other de novo variants in different genes were also observed in this individual and detailed clinical information was not provided (PMID: 33057194); In silico analysis supports that this missense variant has a deleterious effect on protein structure/function; This variant is associated with the following publications: (PMID: 35982159, 38553610, 33057194)

NM_001128840.3(CACNA1D):c.2969G>A (p.Arg990His)

Gene: CACNA1D (calcium voltage-gated channel subunit alpha1 D; plus strand). Cytogenetic location: 3p21.1.
Variant type: single nucleotide variant.
Coding change: c.2969G>A on transcript NM_001128840.3 (MANE Select); coding-DNA position 2969, G replaced by A.
Protein change: p.Arg990His; replaces arginine 990 with histidine.
Molecular consequence: missense variant.
Genome position (GRCh38, 1-based): chr3:53,744,790, G>A. VCF-style: chr3-53744790-G-A. GRCh37 (hg19) VCF-style: chr3-53778817-G-A.
Other names: c.3029G>A, p.Arg1010His (NM_000720.4); c.2969G>A, p.Arg990His (NM_001128839.3); short protein forms R1010H, R990H.
Identifiers: ClinVar variation 1188651 (VCV001188651.3), dbSNP rs2108837611, ClinGen allele CA353246188.